The following is an entry in ClinVar:

NM_000719.7(CACNA1C):c.1390A>G (p.Met464Val)

Gene: CACNA1C (calcium voltage-gated channel subunit alpha1 C; plus strand). Cytogenetic location: 12p13.33.
Variant type: single nucleotide variant.
Coding change: c.1390A>G on transcript NM_000719.7 (MANE Select); coding-DNA position 1390, A replaced by G.
Protein change: p.Met464Val; replaces methionine 464 with valine.
Molecular consequence: missense variant.
Genome position (GRCh38, 1-based): chr12:2,512,984, A>G. VCF-style: chr12-2512984-A-G. GRCh37 (hg19) VCF-style: chr12-2622150-A-G.
Other names: c.1390A>G, p.Met464Val (NM_001129827.2, NM_001129829.2, NM_001129830.3 and 18 more transcripts); c.1381A>G, p.Met461Val (NM_001129844.2); short protein forms M464V, M461V.
Identifiers: ClinVar variation 1398968 (VCV001398968.8), dbSNP rs764849976, ClinGen allele CA383367606.

ClinVar aggregate classification (germline): Uncertain significance (1 of 4 stars; one submission).

Conditions:
Long QT syndrome (LQTS). Identifiers: MedGen C0023976, MeSH D008133, MONDO:0002442. Disease mechanism: loss of function. Inheritance: Various modes of inheritance.

Allele frequency attached by ClinVar (database versions not stated): gnomAD exomes below 0.00001.
gnomAD v4.1: 1 of 1,597,792 alleles (0.000063%); highest among the groups gnomAD compares: East Asian, 0.0023%; no homozygotes.

Submission:

Labcorp Genetics (formerly Invitae), Labcorp
Classification: Uncertain significance for Long QT syndrome. Last evaluated: 2025-09-27. Review status: criteria provided, single submitter. Criteria: Invitae Variant Classification Sherloc (09022015). Collection method: clinical testing. Allele origin: germline.
Comment: This sequence change replaces methionine, which is neutral and non-polar, with valine, which is neutral and non-polar, at codon 464 of the CACNA1C protein (p.Met464Val). The frequency data for this variant in the population databases is considered unreliable, as metrics indicate poor data quality at this position in the gnomAD database. This variant has not been reported in the literature in individuals affected with CACNA1C-related conditions. ClinVar contains an entry for this variant (Variation ID: 1398968). An algorithm developed to predict the effect of missense changes on protein structure and function (PolyPhen-2) suggests that this variant is likely to be tolerated. In summary, the available evidence is currently insufficient to determine the role of this variant in disease. Therefore, it has been classified as a Variant of Uncertain Significance.